The following is an entry in ClinVar:

NM_032793.5(MFSD2A):c.874G>A (p.Gly292Ser)

Gene: MFSD2A (MFSD2 lysolipid transporter A, lysophospholipid; plus strand). Cytogenetic location: 1p34.2.
Variant type: single nucleotide variant.
Coding change: c.874G>A on transcript NM_032793.5 (MANE Select); coding-DNA position 874, G replaced by A.
Protein change: p.Gly292Ser; replaces glycine 292 with serine.
Molecular consequence: missense variant. On other transcripts: non-coding transcript variant (1).
Genome position (GRCh38, 1-based): chr1:39,966,879, G>A. VCF-style: chr1-39966879-G-A. GRCh37 (hg19) VCF-style: chr1-40432551-G-A.
Other names: c.913G>A, p.Gly305Ser (NM_001136493.3); c.406G>A, p.Gly136Ser (NM_001287808.2); c.757G>A, p.Gly253Ser (NM_001287809.2); c.868G>A, p.Gly290Ser (NM_001349821.2); c.874G>A, p.Gly292Ser (NM_001349822.2); c.529G>A, p.Gly177Ser (NM_001349823.2); c.913G>A (NM_001136493.1); short protein forms G136S, G177S, G253S, G290S, G292S, G305S.
Identifiers: ClinVar variation 1339121 (VCV001339121.3), dbSNP rs201045061, ClinGen allele CA788818.

ClinVar aggregate classification (germline): Uncertain significance. Review status: criteria provided, multiple submitters, no conflicts (2 of 4 stars). 2 submissions from 2 submitters: Uncertain significance (2). Last evaluated 2024-07-02.

Conditions:
Microcephaly 15, primary, autosomal recessive (NEDMISBA). Also called: NEURODEVELOPMENTAL DISORDER WITH PROGRESSIVE MICROCEPHALY, SPASTICITY, AND BRAIN IMAGING ABNORMALITIES. Identifiers: Orphanet 2512, MedGen C4225310, MONDO:0014660, OMIM 616486.
Inborn genetic diseases. Identifiers: MedGen C0950123, MeSH D030342.

Allele frequency attached by ClinVar (database versions not stated): gnomAD 0.00001; gnomAD exomes 0.00001 and 0.00003; ExAC 0.00002; 1000 Genomes Project 30x 0.00016; 1000 Genomes Project 0.00020.
gnomAD v4.1: 15 of 1,613,760 alleles (0.00093%); highest among the groups gnomAD compares: South Asian, 0.0088%; 1 homozygote.

Submissions (2):

Ambry Genetics
Classification: Uncertain significance for Inborn genetic diseases. Last evaluated: 2024-07-02. Review status: criteria provided, single submitter. Criteria: Ambry Variant Classification Scheme 2023. Collection method: clinical testing. Allele origin: germline.

Neuberg Centre For Genomic Medicine, NCGM
Classification: Uncertain significance for Microcephaly 15, primary, autosomal recessive. Review status: criteria provided, single submitter. Criteria: ACMG Guidelines, 2015. Collection method: clinical testing. Allele origin: germline. Affected: yes.
Comment: The missense variant p.G292S in MFSD2A (NM_032793.5) has not been reported previously as a pathogenic variant nor as a benign variant, to our knowledge. The p.G292S variant is observed in 7/30,616 (0.0229%) alleles from individuals of South Asian background in gnomAD Exomes and in 1/978 (0.1022%) alleles from individuals of South Asian background in 1000 Genomes.The p.G292S missense variant is predicted to be damaging by both SIFT and PolyPhen2. The glycine residue at codon 292 of MFSD2A is conserved in all mammalian species. The nucleotide c.874 in MFSD2A is predicted conserved by GERP++ and PhyloP across 100 vertebrates. For these reasons, this variant has been classified as Uncertain Significance.